The following is an entry in ClinVar:

NM_002471.4(MYH6):c.3979-7T>G

Gene: MYH6 (myosin heavy chain 6; minus strand). Cytogenetic location: 14q11.2.
Variant type: single nucleotide variant.
Coding change: c.3979-7T>G on transcript NM_002471.4 (MANE Select); 7 bases into the intron before coding-DNA position 3979, T replaced by G.
Molecular consequence: intron variant.
Genome position (GRCh38, 1-based): chr14:23,389,062, A>C on the plus strand (T>G on the coding strand, the complement: MYH6 is on the minus strand). VCF-style: chr14-23389062-A-C. GRCh37 (hg19) VCF-style: chr14-23858271-A-C.
Identifiers: ClinVar variation 414323 (VCV000414323.15), dbSNP rs535111647, ClinGen allele CA7114967.

ClinVar aggregate classification (germline): Benign/Likely benign. Review status: criteria provided, multiple submitters, no conflicts (2 of 4 stars). 4 submissions from 4 submitters: Benign (1); Likely benign (2). 1 of the submissions does not count toward it. Last evaluated 2026-02-03.

Conditions:
MYH6-related disorder. Also called: MYH6-Related Disorders; MYH6-related condition.
Hypertrophic cardiomyopathy 14. Identifiers: MedGen C2750467, MONDO:0013197, OMIM 613251.

Allele frequency attached by ClinVar (database versions not stated): gnomAD 0.00132 and 0.00142.

Submissions (4):

Labcorp Genetics (formerly Invitae), Labcorp
Classification: Likely benign for Hypertrophic cardiomyopathy 14. Last evaluated: 2026-02-03. Review status: criteria provided, single submitter. Criteria: Invitae Variant Classification Sherloc (09022015). Collection method: clinical testing. Allele origin: germline.

Blueprint Genetics
Classification: Likely benign. Last evaluated: 2024-05-15. Review status: criteria provided, single submitter. Criteria: ACMG Guidelines, 2015. Collection method: clinical testing. Allele origin: germline.

Women's Health and Genetics/Laboratory Corporation of America, LabCorp
Classification: Benign. Last evaluated: 2022-05-09. Review status: criteria provided, single submitter. Criteria: LabCorp Variant Classification Summary - May 2015. Collection method: clinical testing. Allele origin: germline.
Comment: Variant summary: MYH6 c.3979-7T>G alters a non-conserved nucleotide located close to a canonical splice site and therefore could affect mRNA splicing, leading to a significantly altered protein sequence. 4/4 computational tools predict no significant impact on normal splicing, however, these predictions have yet to be confirmed by functional studies. The variant allele was found at a frequency of 0.00043 in 162742 control chromosomes (gnomAD), predominantly at a frequency of 0.0031 within the African or African-American subpopulation in the gnomAD database. The observed variant frequency within African or African-American control individuals in the gnomAD database is approximately 124 fold of the estimated maximal expected allele frequency for a pathogenic variant in MYH6 causing the Cardiomyopathy phenotype (2.5e-05), strongly suggesting that the variant is a benign polymorphism found primarily in populations of African or African-American origin. To our knowledge, no occurrence of c.3979-7T>G in individuals affected with Cardiomyopathy and no experimental evidence demonstrating its impact on protein function have been reported. One ClinVar submitter has assessed the variant since 2014: the variant was classified as likely benign. Based on the evidence outlined above, the variant was classified as benign.

PreventionGenetics, part of Exact Sciences
Classification: Likely benign for MYH6-related condition. Last evaluated: 2019-03-29. Review status: no assertion criteria provided. Collection method: clinical testing. Allele origin: germline. Not counted in ClinVar's aggregate classification.
Comment: This variant is classified as likely benign based on ACMG/AMP sequence variant interpretation guidelines (Richards et al. 2015 PMID: 25741868, with internal and published modifications).